The following is an entry in ClinVar:

NM_206933.4(USH2A):c.8988_8989insTTTTTTTTTTTTTTTTTTTTNNNNNNNNNNGACCTCATGATCCACCCGCCTCGGCCTCCCAAAGTGCTGGGATTACAGGCGTGAGCCACCGCGCCCGGCCCAGTATTGGATCTTT (p.Ile2997delinsPhePhePhePhePhePheXaaXaaXaaXaaAspLeuMetIleHisProProArgProProLysValLeuGlyLeuGlnAlaTer)

Gene: USH2A (usherin; minus strand). Cytogenetic location: 1q41.
Variant type: Insertion.
Coding change: c.8988_8989insTTTTTTTTTTTTTTTTTTTTNNNNNNNNNNGACCTCATGATCCACCCGCCTCGGCCTCCCAAAGTGCTGGGATTACAGGCGTGAGCCACCGCGCCCGGCCCAGTATTGGATCTTT on transcript NM_206933.4 (MANE Select); coding-DNA positions 8988 to 8989, TTTTTTTTTTTTTTTTTTTTNNNNNNNNNNGACCTCATGATCCACCCGCCTCGGCCTCCCAAAGTGCTGGGATTACAGGCGTGAGCCACCGCGCCCGGCCCAGTATTGGATCTTT inserted.
Protein change: p.Ile2997delinsPhePhePhePhePhePheXaaXaaXaaXaaAspLeuMetIleHisProProArgProProLysValLeuGlyLeuGlnAlaTer.
Molecular consequence: nonsense.
Genome position: GRCh38: chr1:215,845,904-215,845,905. GRCh37 (hg19): chr1:216,019,246-216,019,247.
Identifiers: ClinVar variation 1429340 (VCV001429340.6), dbSNP rs2102823179.

ClinVar aggregate classification (germline): Pathogenic (1 of 4 stars; one submission).

Submission:

Labcorp Genetics (formerly Invitae), Labcorp
Classification: Pathogenic. Last evaluated: 2023-08-10. Review status: criteria provided, single submitter. Criteria: Invitae Variant Classification Sherloc (09022015). Collection method: clinical testing. Allele origin: germline.
Comment: This variant has not been reported in the literature in individuals affected with USH2A-related conditions. This variant is not present in population databases (gnomAD no frequency). This sequence change inserts a large fragment of DNA, likely a transposable element, in exon 45 of the USH2A gene (c.8988_8989ins?), causing a frameshift at codon 2997 (p.Ile2997fs). The exact size and sequence of the insertion cannot be determined by the current assay. However, the insertion is expected to result in an absent or disrupted protein product. ClinVar contains an entry for this variant (Variation ID: 1429340). For these reasons, this variant has been classified as Pathogenic. Retrotransposon insertions including LINE1 (L1), Alu, and SVA (SINE-VNTR-Alu) have been reported to be disease-causing through disruption of either a coding region or splice site (PMID: 19763152, 20307669, 22406018) and loss-of-function variants in USH2A are known to be pathogenic (PMID: 10729113, 10909849, 20507924, 25649381). Algorithms developed to predict the effect of sequence changes on RNA splicing suggest that this variant may disrupt the consensus splice site.

Literature cited by the submitters: PubMed 19763152; PubMed 20307669; PubMed 22406018; PubMed 10729113; PubMed 10909849; PubMed 20507924; PubMed 25649381.